The following is an entry in ClinVar:

NM_001329943.3(KIAA0586):c.4096G>A (p.Val1366Ile)

Gene: KIAA0586 (KIAA0586; plus strand). Cytogenetic location: 14q23.1.
Variant type: single nucleotide variant.
Coding change: c.4096G>A on transcript NM_001329943.3 (MANE Select); coding-DNA position 4096, G replaced by A.
Protein change: p.Val1366Ile; replaces valine 1366 with isoleucine.
Molecular consequence: missense variant.
Genome position (GRCh38, 1-based): chr14:58,498,888, G>A. VCF-style: chr14-58498888-G-A. GRCh37 (hg19) VCF-style: chr14-58965606-G-A.
Other names: c.4255G>A, p.Val1419Ile (NM_001244189.2); c.4051G>A, p.Val1351Ile (NM_001244190.2); c.3841G>A, p.Val1281Ile (NM_001244191.2, NM_001329945.2, NM_001364700.1 and 1 more transcripts); c.3964G>A, p.Val1322Ile (NM_001244192.2, NM_001329947.2); c.3676G>A, p.Val1226Ile (NM_001244193.2); c.4096G>A, p.Val1366Ile (NM_001329944.2, NM_001329946.2); c.3868G>A, p.Val1290Ile (NM_014749.5); short protein forms V1290I, V1366I, V1322I, V1226I, V1351I, V1281I, V1419I.
Identifiers: ClinVar variation 1376019 (VCV001376019.8), dbSNP rs2043350903, ClinGen allele CA389885657.

ClinVar aggregate classification (germline): Uncertain significance (1 of 4 stars; one submission).

Conditions:
Joubert syndrome 23 (JBTS23). Identifiers: Orphanet 475, MedGen C4084822, MONDO:0014664, OMIM 616490.
Short-rib thoracic dysplasia 14 with polydactyly (SRTD14). Identifiers: Orphanet 397715, MedGen C4225286, MONDO:0014688, OMIM 616546.

Allele frequency attached by ClinVar (database versions not stated): gnomAD 0.00001.
gnomAD v4.1: 3 of 1,612,760 alleles (0.00019%); highest among the groups gnomAD compares: East Asian, 0.0067%; no homozygotes.

Submission:

Labcorp Genetics (formerly Invitae), Labcorp
Classification: Uncertain significance for Joubert syndrome 23; Short-rib thoracic dysplasia 14 with polydactyly. Last evaluated: 2021-02-26. Review status: criteria provided, single submitter. Criteria: Invitae Variant Classification Sherloc (09022015). Collection method: clinical testing. Allele origin: germline.
Comment: In summary, the available evidence is currently insufficient to determine the role of this variant in disease. Therefore, it has been classified as a Variant of Uncertain Significance. Algorithms developed to predict the effect of missense changes on protein structure and function output the following: SIFT: "Tolerated"; PolyPhen-2: "Benign"; Align-GVGD: "Class C0". The isoleucine amino acid residue is found in multiple mammalian species, suggesting that this missense change does not adversely affect protein function. These predictions have not been confirmed by published functional studies and their clinical significance is uncertain. This variant has not been reported in the literature in individuals with KIAA0586-related conditions. This variant is not present in population databases (ExAC no frequency). This sequence change replaces valine with isoleucine at codon 1419 of the KIAA0586 protein (p.Val1419Ile). The valine residue is weakly conserved and there is a small physicochemical difference between valine and isoleucine.